The following is an entry in ClinVar:

NM_000264.5(PTCH1):c.2606T>A (p.Met869Lys)

Gene: PTCH1 (patched 1; minus strand). Cytogenetic location: 9q22.32.
Variant type: single nucleotide variant.
Coding change: c.2606T>A on transcript NM_000264.5 (MANE Select); coding-DNA position 2606, T replaced by A.
Protein change: p.Met869Lys; replaces methionine 869 with lysine.
Molecular consequence: missense variant. On other transcripts: non-coding transcript variant (1).
Genome position (GRCh38, 1-based): chr9:95,461,953, A>T on the plus strand (T>A on the coding strand, the complement: PTCH1 is on the minus strand). VCF-style: chr9-95461953-A-T. GRCh37 (hg19) VCF-style: chr9-98224235-A-T.
Other names: c.2408T>A, p.Met803Lys (NM_001083602.3); c.2603T>A, p.Met868Lys (NM_001083603.3); c.2153T>A, p.Met718Lys (NM_001083604.3, NM_001083605.3, NM_001083606.3 and 1 more transcripts); c.2450T>A, p.Met817Lys (NM_001354918.2); short protein forms M803K, M868K, M718K, M817K, M869K.
Identifiers: ClinVar variation 644530 (VCV000644530.16), dbSNP rs1345518847, ClinGen allele CA374113491.
Genomic context (GRCh38, chr9:95,461,953, plus strand): 5'-TGCACCAGGAGTTTGTAGGCAAGGACTCCATCGTCTGATCCATTCTTGTAATTGTTTGGC[A>T]TGATTTTCCCGGTTTCCCAGTCACTGTCAAATGCATCCTGAAGTCCTAGAAATGGCAAAT-3'
Protein context (NP_000255.2, residues 859-879): FDSDWETGKI[Met869Lys]PNNYKNGSDD

ClinVar aggregate classification (germline): Uncertain significance. Review status: criteria provided, multiple submitters, no conflicts (2 of 4 stars). 5 submissions from 5 submitters: Uncertain significance (5). Last evaluated 2026-01-18.

Conditions:
Hereditary cancer-predisposing syndrome. Also called: Hereditary neoplastic syndrome; Tumor predisposition; Neoplastic Syndromes, Hereditary; Hereditary Cancer Syndrome. Identifiers: Orphanet 140162, MedGen C0027672, MeSH D009386, MONDO:0015356.
Basal cell carcinoma, susceptibility to, 1. Also called: BCC1. Identifiers: MedGen C2751544, MONDO:0011556, OMIM 605462.
Gorlin syndrome. Also called: Basal cell nevus syndrome; Nevoid Basal Cell Carcinoma Syndrome. Identifiers: Orphanet 377, MedGen C0004779, MONDO:0007187.

Allele frequency attached by ClinVar (database versions not stated): TOPMed below 0.00001.

Submissions (5):

Labcorp Genetics (formerly Invitae), Labcorp
Classification: Uncertain significance for Gorlin syndrome. Last evaluated: 2026-01-18. Review status: criteria provided, single submitter. Criteria: Invitae Variant Classification Sherloc (09022015). Collection method: clinical testing. Allele origin: germline.
Comment: This sequence change replaces methionine, which is neutral and non-polar, with lysine, which is basic and polar, at codon 869 of the PTCH1 protein (p.Met869Lys). This variant is not present in population databases (gnomAD no frequency). This variant has not been reported in the literature in individuals affected with PTCH1-related conditions. ClinVar contains an entry for this variant (Variation ID: 644530). Invitae Evidence Modeling of protein sequence and biophysical properties (such as structural, functional, and spatial information, amino acid conservation, physicochemical variation, residue mobility, and thermodynamic stability) indicates that this missense variant is not expected to disrupt PTCH1 protein function with a negative predictive value of 95%. In summary, the available evidence is currently insufficient to determine the role of this variant in disease. Therefore, it has been classified as a Variant of Uncertain Significance.

Helix
Classification: Uncertain significance for Gorlin syndrome. Last evaluated: 2026-01-13. Review status: criteria provided, single submitter. Criteria: ACMG Guidelines, 2015. Collection method: clinical testing. Allele origin: germline. Inheritance: Autosomal dominant inheritance.
Comment: This variant (NM_000264.5:c.2606T>A p.Met869Lys) results in the substitution of methionine with lysine at codon 869 in the PTCH1 protein. It is a rare variant that is absent from the large gnomAD population database (v4.1). To our knowledge, this variant has not been reported in individuals with PTCH1-related conditions in the published literature. In silico prediction from REVEL (PMID: 27666373) is indeterminate. This variant is present in ClinVar (Variation ID: 644530). In conclusion, since the available evidence is limited, the clinical significance of this variant is unclear at this time. Therefore, it is classified as a Variant of Uncertain Significance.

GeneDx
Classification: Uncertain significance. Last evaluated: 2025-06-06. Review status: criteria provided, single submitter. Criteria: GeneDx Variant Classification Process June 2021. Collection method: clinical testing. Allele origin: germline. Affected: yes.
Comment: Not observed at significant frequency in large population cohorts (gnomAD); In silico analysis suggests that this missense variant does not alter protein structure/function; Has not been previously published as pathogenic or benign to our knowledge; This variant is associated with the following publications: (PMID: 8906794)

Ambry Genetics
Classification: Uncertain significance for Hereditary cancer-predisposing syndrome. Last evaluated: 2024-06-18. Review status: criteria provided, single submitter. Criteria: Ambry Variant Classification Scheme 2023. Collection method: clinical testing. Allele origin: germline.
Comment: The p.M869K variant (also known as c.2606T>A), located in coding exon 16 of the PTCH1 gene, results from a T to A substitution at nucleotide position 2606. The methionine at codon 869 is replaced by lysine, an amino acid with similar properties. This amino acid position is conserved. In addition, this alteration is predicted to be tolerated by in silico analysis. Since supporting evidence is limited at this time, the clinical significance of this alteration remains unclear.

Baylor Genetics
Classification: Uncertain significance for Basal cell carcinoma, susceptibility to, 1. Last evaluated: 2023-11-14. Review status: criteria provided, single submitter. Criteria: ACMG Guidelines, 2015. Collection method: clinical testing. Allele origin: unknown.